The following is an entry in ClinVar:

ClinVar aggregate classification (germline): Uncertain significance (1 of 4 stars; one submission).

Conditions:
Cardiovascular phenotype. Identifiers: MedGen CN230736.

Submission:

Ambry Genetics
Classification: Uncertain significance for Cardiovascular phenotype. Last evaluated: 2025-11-16. Review status: criteria provided, single submitter. Criteria: Ambry Variant Classification Scheme 2023. Collection method: clinical testing. Allele origin: germline.
Comment: The p.D28H variant (also known as c.82G>C), located in coding exon 2 of the AKAP9 gene, results from a G to C substitution at nucleotide position 82. The aspartic acid at codon 28 is replaced by histidine, an amino acid with similar properties. This amino acid position is conserved. In addition, the in silico prediction for this alteration is inconclusive. Based on the available evidence, the clinical significance of this variant remains unclear.

NM_005751.5(AKAP9):c.82G>C (p.Asp28His)

Gene: AKAP9 (A-kinase anchoring protein 9; plus strand). Cytogenetic location: 7q21.2.
Variant type: single nucleotide variant.
Coding change: c.82G>C on transcript NM_005751.5 (MANE Select); coding-DNA position 82, G replaced by C.
Protein change: p.Asp28His; replaces aspartic acid 28 with histidine.
Molecular consequence: missense variant.
Genome position (GRCh38, 1-based): chr7:91,973,744, G>C. VCF-style: chr7-91973744-G-C. GRCh37 (hg19) VCF-style: chr7-91603058-G-C.
Other names: c.82G>C, p.Asp28His (NM_147185.3); short protein forms D28H.
Identifiers: ClinVar variation 4613411 (VCV004613411.1).